The following is an entry in ClinVar:

ClinVar aggregate classification (germline): Uncertain significance. Review status: criteria provided, multiple submitters, no conflicts (2 of 4 stars). 3 submissions from 3 submitters: Uncertain significance (3). Last evaluated 2025-01-02.

Conditions:
Luscan-Lumish syndrome. Identifiers: Orphanet 597738, MedGen C4085873, MONDO:0014791, OMIM 616831.

Submissions (3):

Labcorp Genetics (formerly Invitae), Labcorp
Classification: Uncertain significance for Luscan-Lumish syndrome. Last evaluated: 2025-01-02. Review status: criteria provided, single submitter. Criteria: Invitae Variant Classification Sherloc (09022015). Collection method: clinical testing. Allele origin: germline.
Comment: This sequence change replaces threonine, which is neutral and polar, with alanine, which is neutral and non-polar, at codon 1848 of the SETD2 protein (p.Thr1848Ala). This variant is not present in population databases (gnomAD no frequency). This variant has not been reported in the literature in individuals affected with SETD2-related conditions. ClinVar contains an entry for this variant (Variation ID: 655623). Invitae Evidence Modeling of protein sequence and biophysical properties (such as structural, functional, and spatial information, amino acid conservation, physicochemical variation, residue mobility, and thermodynamic stability) indicates that this missense variant is expected to disrupt SETD2 protein function with a positive predictive value of 80%. In summary, the available evidence is currently insufficient to determine the role of this variant in disease. Therefore, it has been classified as a Variant of Uncertain Significance.

Genome-Nilou Lab
Classification: Uncertain significance for Luscan-Lumish syndrome. Last evaluated: 2022-03-15. Review status: criteria provided, single submitter. Criteria: ACMG Guidelines, 2015. Collection method: clinical testing. Allele origin: germline. Affected: no.

GeneDx
Classification: Uncertain significance. Last evaluated: 2021-06-22. Review status: criteria provided, single submitter. Criteria: GeneDx Variant Classification Process June 2021. Collection method: clinical testing. Allele origin: germline. Affected: yes.
Comment: Not observed at significant frequency in large population cohorts (Lek et al., 2016); In silico analysis supports that this missense variant does not alter protein structure/function; Has not been previously published as pathogenic or benign to our knowledge; This variant is associated with the following publications: (PMID: 27535533)

NM_014159.7(SETD2):c.5542A>G (p.Thr1848Ala)

Gene: SETD2 (SET domain containing 2, histone lysine methyltransferase; minus strand). Cytogenetic location: 3p21.31.
Variant type: single nucleotide variant.
Coding change: c.5542A>G on transcript NM_014159.7 (MANE Select); coding-DNA position 5542, A replaced by G.
Protein change: p.Thr1848Ala; replaces threonine 1848 with alanine.
Molecular consequence: missense variant. On other transcripts: non-coding transcript variant (1).
Genome position (GRCh38, 1-based): chr3:47,084,238, T>C on the plus strand (A>G on the coding strand, the complement: SETD2 is on the minus strand). VCF-style: chr3-47084238-T-C. GRCh37 (hg19) VCF-style: chr3-47125728-T-C.
Other names: c.5410A>G, p.Thr1804Ala (NM_001349370.3); short protein forms T1848A, T1804A.
Identifiers: ClinVar variation 655623 (VCV000655623.8), dbSNP rs1575745202, ClinGen allele CA352536343.